The following is an entry in ClinVar:

NM_001080.3(ALDH5A1):c.1535T>G (p.Leu512Arg)

Gene: ALDH5A1 (aldehyde dehydrogenase 5 family member A1; plus strand). Cytogenetic location: 6p22.3.
Variant type: single nucleotide variant.
Coding change: c.1535T>G on transcript NM_001080.3 (MANE Select); coding-DNA position 1535, T replaced by G.
Protein change: p.Leu512Arg; replaces leucine 512 with arginine.
Molecular consequence: missense variant.
Genome position (GRCh38, 1-based): chr6:24,533,639, T>G. VCF-style: chr6-24533639-T-G. GRCh37 (hg19) VCF-style: chr6-24533867-T-G.
Other names: c.1391T>G, p.Leu464Arg (NM_001368954.1); c.1574T>G, p.Leu525Arg (NM_170740.1); short protein forms L525R, L512R, L464R.
Identifiers: ClinVar variation 529482 (VCV000529482.6), dbSNP rs752005255, ClinGen allele CA3656968.

ClinVar aggregate classification (germline): Uncertain significance. Review status: criteria provided, multiple submitters, no conflicts (2 of 4 stars). 3 submissions from 3 submitters: Uncertain significance (3). Last evaluated 2026-02-10.

Conditions:
Inborn genetic diseases. Identifiers: MedGen C0950123, MeSH D030342.
Succinate-semialdehyde dehydrogenase deficiency (SSADHD). Also called: GABA METABOLIC DEFECT; SSADH DEFICIENCY; 4-HYDROXYBUTYRIC ACIDURIA; Succinic Semialdehyde Dehydrogenase Deficiency. Identifiers: Orphanet 22, MedGen C0268631, MONDO:0010083, OMIM 271980.

Allele frequency attached by ClinVar (database versions not stated): ExAC 0.00002; TOPMed 0.00002; gnomAD 0.00003; gnomAD exomes 0.00003.
gnomAD v4.1: 52 of 1,613,968 alleles (0.0032%); highest among the groups gnomAD compares: Middle Eastern, 0.033%; no homozygotes.

Submissions (3):

GeneDx
Classification: Uncertain significance. Last evaluated: 2026-02-10. Review status: criteria provided, single submitter. Criteria: GeneDx Variant Classification Process June 2021. Collection method: clinical testing. Allele origin: germline.
Comment: Not observed at significant frequency in large population cohorts (gnomAD); In silico analysis supports that this missense variant has a deleterious effect on protein structure/function; Has not been previously published as pathogenic or benign to our knowledge

Ambry Genetics
Classification: Uncertain significance for Inborn genetic diseases. Last evaluated: 2025-06-10. Review status: criteria provided, single submitter. Criteria: Ambry Variant Classification Scheme 2023. Collection method: clinical testing. Allele origin: germline.

Labcorp Genetics (formerly Invitae), Labcorp
Classification: Uncertain significance for Succinate-semialdehyde dehydrogenase deficiency. Last evaluated: 2022-07-19. Review status: criteria provided, single submitter. Criteria: Invitae Variant Classification Sherloc (09022015). Collection method: clinical testing. Allele origin: germline.
Comment: This sequence change replaces leucine, which is neutral and non-polar, with arginine, which is basic and polar, at codon 512 of the ALDH5A1 protein (p.Leu512Arg). This variant is present in population databases (rs752005255, gnomAD 0.005%). This variant has not been reported in the literature in individuals affected with ALDH5A1-related conditions. ClinVar contains an entry for this variant (Variation ID: 529482). Algorithms developed to predict the effect of missense changes on protein structure and function (SIFT, PolyPhen-2, Align-GVGD) all suggest that this variant is likely to be disruptive. In summary, the available evidence is currently insufficient to determine the role of this variant in disease. Therefore, it has been classified as a Variant of Uncertain Significance.